The following is an entry in ClinVar:

NM_170606.3(KMT2C):c.2328A>T (p.Ile776=)

Gene: KMT2C (lysine methyltransferase 2C; minus strand). Cytogenetic location: 7q36.1.
Variant type: single nucleotide variant.
Coding change: c.2328A>T on transcript NM_170606.3 (MANE Select); coding-DNA position 2328, A replaced by T.
Protein change: p.Ile776=; no amino-acid change (isoleucine 776 retained).
Molecular consequence: synonymous variant.
Genome position (GRCh38, 1-based): chr7:152,248,106, T>A on the plus strand (A>T on the coding strand, the complement: KMT2C is on the minus strand). VCF-style: chr7-152248106-T-A. GRCh37 (hg19) VCF-style: chr7-151945191-T-A.
Identifiers: ClinVar variation 3341675 (VCV003341675.17).

ClinVar aggregate classification (germline): Likely benign. Review status: criteria provided, multiple submitters, no conflicts (2 of 4 stars). 2 submissions from 2 submitters: Likely benign (2). Last evaluated 2026-08-01.

Submissions (2):

CeGaT Center for Human Genetics Tuebingen
Classification: Likely benign. Last evaluated: 2026-08-01. Review status: criteria provided, single submitter. Criteria: CeGaT Center For Human Genetics Tuebingen Variant Classification Criteria Version 2. Collection method: clinical testing. Allele origin: germline. Affected: yes. Observed: 4 variant alleles.
Comment: KMT2C: PM2:Supporting, BP4, BP7

Blueprint Genetics
Classification: Likely benign. Last evaluated: 2024-11-06. Review status: criteria provided, single submitter. Criteria: ACMG Guidelines, 2015. Collection method: clinical testing. Allele origin: germline.